The following is an entry in ClinVar:

ClinVar aggregate classification (germline): Uncertain significance (1 of 4 stars; one submission).

gnomAD v4.1: 37 of 1,501,258 alleles (0.0025%); highest among the groups gnomAD compares: African/African-American, 0.0042%; no homozygotes.

Submission:

Labcorp Genetics (formerly Invitae), Labcorp
Classification: Uncertain significance. Last evaluated: 2024-10-24. Review status: criteria provided, single submitter. Criteria: Invitae Variant Classification Sherloc (09022015). Collection method: clinical testing. Allele origin: germline.
Comment: This sequence change replaces valine, which is neutral and non-polar, with methionine, which is neutral and non-polar, at codon 589 of the EEF2 protein (p.Val589Met). This variant is not present in population databases (gnomAD no frequency). This variant has not been reported in the literature in individuals affected with EEF2-related conditions. ClinVar contains an entry for this variant (Variation ID: 1940529). Invitae Evidence Modeling of protein sequence and biophysical properties (such as structural, functional, and spatial information, amino acid conservation, physicochemical variation, residue mobility, and thermodynamic stability) indicates that this missense variant is not expected to disrupt EEF2 protein function with a negative predictive value of 80%. In summary, the available evidence is currently insufficient to determine the role of this variant in disease. Therefore, it has been classified as a Variant of Uncertain Significance.

NM_001961.4(EEF2):c.1765G>A (p.Val589Met)

Gene: EEF2 (eukaryotic translation elongation factor 2; minus strand). Cytogenetic location: 19p13.3.
Variant type: single nucleotide variant.
Coding change: c.1765G>A on transcript NM_001961.4 (MANE Select); coding-DNA position 1765, G replaced by A.
Protein change: p.Val589Met; replaces valine 589 with methionine.
Molecular consequence: missense variant.
Genome position (GRCh38, 1-based): chr19:3,978,121, C>T on the plus strand (G>A on the coding strand, the complement: EEF2 is on the minus strand). VCF-style: chr19-3978121-C-T. GRCh37 (hg19) VCF-style: chr19-3978119-C-T.
Other names: short protein forms V589M.
Identifiers: ClinVar variation 1940529 (VCV001940529.5), dbSNP rs35987350, ClinGen allele CA9088761.